The following is an entry in ClinVar:

NM_001166108.2(PALLD):c.2687G>A (p.Arg896Gln)

Genes: CBR4 (carbonyl reductase 4; minus strand), PALLD (palladin, cytoskeletal associated protein; plus strand). Cytogenetic location: 4q32.3.
Variant type: single nucleotide variant.
Coding change: c.2687G>A on transcript NM_001166108.2 (MANE Select); coding-DNA position 2687, G replaced by A.
Protein change: p.Arg896Gln; replaces arginine 896 with glutamine.
Molecular consequence: missense variant.
Genome position (GRCh38, 1-based): chr4:168,913,991, G>A. VCF-style: chr4-168913991-G-A. GRCh37 (hg19) VCF-style: chr4-169835142-G-A.
Other names: c.1490G>A, p.Arg497Gln (NM_001166109.2); c.1175G>A, p.Arg392Gln (NM_001166110.2); c.515G>A, p.Arg172Gln (NM_001367567.1, NM_001367569.1); c.566G>A, p.Arg189Gln (NM_001367568.1, NM_001367570.1); c.2636G>A, p.Arg879Gln (NM_016081.4); c.2636G>A (NM_016081.3); short protein forms R392Q, R879Q, R172Q, R497Q, R896Q, R189Q.
Identifiers: ClinVar variation 238606 (VCV000238606.10), dbSNP rs373500403, ClinGen allele CA3135928.
Genomic context (GRCh38, chr4:168,913,991, plus strand): 5'-GCATCAGTTGTACTGGACGGCTAATGGTACAGGCTGTCAACCAAAGAGGTCGAAGTCCCC[G>A]GTCTCCCTCAGGCCATCCTCATGTCAGAAGGTATTTAACATGTTCCTTCCCAGAAGTGTT-3'
Protein context (NP_001159580.1, residues 886-906): QAVNQRGRSP[Arg896Gln]SPSGHPHVRR

ClinVar aggregate classification (germline): Uncertain significance. Review status: criteria provided, multiple submitters, no conflicts (2 of 4 stars). 2 submissions from 2 submitters: Uncertain significance (2). Last evaluated 2025-07-06.

Conditions:
Pancreatic adenocarcinoma. Identifiers: MedGen C0281361, MONDO:0006047, HP:0006725.

Allele frequency attached by ClinVar (database versions not stated): gnomAD below 0.00001 and 0.00001; TOPMed 0.00001; gnomAD exomes 0.00005; ExAC 0.00007; ESP Exome Variant Server 0.00008.
gnomAD v4.1: 43 of 1,611,584 alleles (0.0027%); highest among the groups gnomAD compares: South Asian, 0.04%; no homozygotes.

Submissions (2):

Labcorp Genetics (formerly Invitae), Labcorp
Classification: Uncertain significance for Pancreatic adenocarcinoma. Last evaluated: 2025-07-06. Review status: criteria provided, single submitter. Criteria: Invitae Variant Classification Sherloc (09022015). Collection method: clinical testing. Allele origin: germline.
Comment: This sequence change replaces arginine, which is basic and polar, with glutamine, which is neutral and polar, at codon 392 of the PALLD protein (p.Arg392Gln). This variant is present in population databases (rs373500403, gnomAD 0.03%). This variant has not been reported in the literature in individuals affected with PALLD-related conditions. ClinVar contains an entry for this variant (Variation ID: 238606). An algorithm developed to predict the effect of missense changes on protein structure and function (PolyPhen-2) suggests that this variant is likely to be tolerated. In summary, the available evidence is currently insufficient to determine the role of this variant in disease. Therefore, it has been classified as a Variant of Uncertain Significance.

Ambry Genetics
Classification: Uncertain significance. Last evaluated: 2022-12-01. Review status: criteria provided, single submitter. Criteria: Ambry Variant Classification Scheme 2023. Collection method: clinical testing. Allele origin: germline.
Comment: The p.R879Q variant (also known as c.2636G>A), located in coding exon 14 of the PALLD gene, results from a G to A substitution at nucleotide position 2636. The arginine at codon 879 is replaced by glutamine, an amino acid with highly similar properties. This amino acid position is conserved. In addition, this alteration is predicted to be tolerated by in silico analysis. Since supporting evidence is limited at this time, the clinical significance of this alteration remains unclear.